The following is an entry in ClinVar:

NM_002335.4(LRP5):c.2102G>A (p.Arg701His)

Gene: LRP5 (LDL receptor related protein 5; plus strand). Cytogenetic location: 11q13.2.
Variant type: single nucleotide variant.
Coding change: c.2102G>A on transcript NM_002335.4 (MANE Select); coding-DNA position 2102, G replaced by A.
Protein change: p.Arg701His; replaces arginine 701 with histidine.
Molecular consequence: missense variant.
Genome position (GRCh38, 1-based): chr11:68,409,924, G>A. VCF-style: chr11-68409924-G-A. GRCh37 (hg19) VCF-style: chr11-68177392-G-A.
Other names: c.359G>A, p.Arg120His (NM_001291902.2); c.2102G>A (NM_002335.3); short protein forms R120H, R701H.
Identifiers: ClinVar variation 1942310 (VCV001942310.8), dbSNP rs145008551, ClinGen allele CA6149539.

ClinVar aggregate classification (germline): Uncertain significance. Review status: criteria provided, multiple submitters, no conflicts (2 of 4 stars). 4 submissions from 4 submitters: Uncertain significance (4). Last evaluated 2024-08-07.

Conditions:
LRP5-related disorder. Also called: LRP5-related condition.

Allele frequency attached by ClinVar (database versions not stated): gnomAD exomes below 0.00001; TOPMed below 0.00001; gnomAD 0.00001; ExAC 0.00003; 1000 Genomes Project 30x 0.00016; 1000 Genomes Project 0.00020.

Submissions (4):

Labcorp Genetics (formerly Invitae), Labcorp
Classification: Uncertain significance. Last evaluated: 2024-08-07. Review status: criteria provided, single submitter. Criteria: Invitae Variant Classification Sherloc (09022015). Collection method: clinical testing. Allele origin: germline.
Comment: This sequence change replaces arginine, which is basic and polar, with histidine, which is basic and polar, at codon 701 of the LRP5 protein (p.Arg701His). This variant is present in population databases (rs145008551, gnomAD 0.01%). This variant has not been reported in the literature in individuals affected with LRP5-related conditions. ClinVar contains an entry for this variant (Variation ID: 1942310). Advanced modeling of protein sequence and biophysical properties (such as structural, functional, and spatial information, amino acid conservation, physicochemical variation, residue mobility, and thermodynamic stability) has been performed at Invitae for this missense variant, however the output from this modeling did not meet the statistical confidence thresholds required to predict the impact of this variant on LRP5 protein function. In summary, the available evidence is currently insufficient to determine the role of this variant in disease. Therefore, it has been classified as a Variant of Uncertain Significance.

Revvity Omics, Revvity
Classification: Uncertain significance. Last evaluated: 2024-04-24. Review status: criteria provided, single submitter. Criteria: ACMG Guidelines, 2015. Collection method: clinical testing. Allele origin: germline.

PreventionGenetics, part of Exact Sciences
Classification: Uncertain significance for LRP5-related condition. Last evaluated: 2023-07-18. Review status: criteria provided, single submitter. Criteria: ACMG Guidelines, 2015. Collection method: clinical testing. Allele origin: germline.
Comment: The LRP5 c.2102G>A variant is predicted to result in the amino acid substitution p.Arg701His. To our knowledge, this variant has not been reported in the literature. A different substitution of this amino acid (p.Arg701Cys) has been reported with uncertain significance in a study of individuals with familial exudative vitreoretinopathy (Li et al. 2018. PubMed ID: 30452590). This c.2102G>A (p.Arg701His) variant is reported in 0.0050% of alleles in individuals of East Asian descent in gnomAD. Although we suspect that this variant may be pathogenic, at this time, the clinical significance of this variant is uncertain due to the absence of conclusive functional and genetic evidence.

Blueprint Genetics
Classification: Uncertain significance. Last evaluated: 2021-03-22. Review status: criteria provided, single submitter. Criteria: ACMG Guidelines, 2015. Collection method: clinical testing. Allele origin: germline.